The following is an entry in ClinVar:

NM_006521.6(TFE3):c.1451C>T (p.Ala484Val)

Gene: TFE3 (transcription factor binding to IGHM enhancer 3; minus strand). Cytogenetic location: Xp11.23.
Variant type: single nucleotide variant.
Coding change: c.1451C>T on transcript NM_006521.6 (MANE Select); coding-DNA position 1451, C replaced by T.
Protein change: p.Ala484Val; replaces alanine 484 with valine.
Molecular consequence: missense variant.
Genome position (GRCh38, 1-based): chrX:49,030,435, G>A on the plus strand (C>T on the coding strand, the complement: TFE3 is on the minus strand). VCF-style: chrX-49030435-G-A. GRCh37 (hg19) VCF-style: chrX-48887946-G-A.
Other names: c.1136C>T, p.Ala379Val (NM_001282142.2); short protein forms A379V, A484V.
Identifiers: ClinVar variation 3176513 (VCV003176513.5), dbSNP rs147100760, ClinGen allele CA10407642.

ClinVar aggregate classification (germline): Likely benign. Review status: criteria provided, multiple submitters, no conflicts (2 of 4 stars). 2 submissions from 2 submitters: Likely benign (2). Last evaluated 2026-09-01.

Conditions:
Inborn genetic diseases. Identifiers: MedGen C0950123, MeSH D030342.

Allele frequency attached by ClinVar (database versions not stated): ExAC 0.00029; 1000 Genomes Project 0.00079; 1000 Genomes Project 30x 0.00083; gnomAD 0.00124; TOPMed 0.00142; ESP Exome Variant Server 0.00170.

Submissions (2):

CeGaT Center for Human Genetics Tuebingen
Classification: Likely benign. Last evaluated: 2026-09-01. Review status: criteria provided, single submitter. Criteria: CeGaT Center For Human Genetics Tuebingen Variant Classification Criteria Version 2. Collection method: clinical testing. Allele origin: germline. Affected: yes. Observed: 2 variant alleles.
Comment: TFE3: BS2

Ambry Genetics
Classification: Likely benign for Inborn genetic diseases. Last evaluated: 2021-11-08. Review status: criteria provided, single submitter. Criteria: Ambry Variant Classification Scheme 2023. Collection method: clinical testing. Allele origin: germline.